The following is an entry in ClinVar:

ClinVar aggregate classification (germline): Uncertain significance. Review status: criteria provided, multiple submitters, no conflicts (2 of 4 stars). 2 submissions from 2 submitters: Uncertain significance (2). Last evaluated 2026-02-18.

Conditions:
Gorlin syndrome. Also called: Basal cell nevus syndrome; Nevoid Basal Cell Carcinoma Syndrome. Identifiers: Orphanet 377, MedGen C0004779, MONDO:0007187.
Medulloblastoma (MDB). Also called: Medulloblastoma, somatic; MEDULLOBLASTOMA PREDISPOSITION SYNDROME. Identifiers: Orphanet 616, MedGen C0025149, MeSH D008527, MONDO:0007959, OMIM 155255, HP:0002885.
Hereditary cancer-predisposing syndrome. Also called: Neoplastic Syndromes, Hereditary; Hereditary neoplastic syndrome; Tumor predisposition; Hereditary Cancer Syndrome. Identifiers: Orphanet 140162, MedGen C0027672, MeSH D009386, MONDO:0015356.

Allele frequency attached by ClinVar (database versions not stated): TOPMed below 0.00001.

Submissions (2):

Ambry Genetics
Classification: Uncertain significance for Hereditary cancer-predisposing syndrome. Last evaluated: 2026-02-18. Review status: criteria provided, single submitter. Criteria: Ambry Variant Classification Scheme 2023. Collection method: clinical testing. Allele origin: germline.
Comment: The p.P67R variant (also known as c.200C>G), located in coding exon 2 of the SUFU gene, results from a C to G substitution at nucleotide position 200. The proline at codon 67 is replaced by arginine, an amino acid with dissimilar properties. This amino acid position is highly conserved in available vertebrate species. In addition, this alteration is predicted to be deleterious by in silico analysis. Based on the available evidence, the clinical significance of this variant remains unclear.

Labcorp Genetics (formerly Invitae), Labcorp
Classification: Uncertain significance for Gorlin syndrome; Medulloblastoma. Last evaluated: 2019-10-19. Review status: criteria provided, single submitter. Criteria: Invitae Variant Classification Sherloc (09022015). Collection method: clinical testing. Allele origin: germline.
Comment: This sequence change replaces proline with arginine at codon 67 of the SUFU protein (p.Pro67Arg). The proline residue is highly conserved and there is a moderate physicochemical difference between proline and arginine. This variant is not present in population databases (ExAC no frequency). In summary, the available evidence is currently insufficient to determine the role of this variant in disease. Therefore, it has been classified as a Variant of Uncertain Significance. Algorithms developed to predict the effect of missense changes on protein structure and function do not agree on the potential impact of this missense change (SIFT: "Deleterious"; PolyPhen-2: "Probably Damaging"; Align-GVGD: "Class C0"). This variant has not been reported in the literature in individuals with SUFU-related disease.

NM_016169.4(SUFU):c.200C>G (p.Pro67Arg)

Gene: SUFU (SUFU negative regulator of hedgehog signaling; plus strand). Cytogenetic location: 10q24.32.
Variant type: single nucleotide variant.
Coding change: c.200C>G on transcript NM_016169.4 (MANE Select); coding-DNA position 200, C replaced by G.
Protein change: p.Pro67Arg; replaces proline 67 with arginine.
Molecular consequence: missense variant.
Genome position (GRCh38, 1-based): chr10:102,509,186, C>G. VCF-style: chr10-102509186-C-G. GRCh37 (hg19) VCF-style: chr10-104268943-C-G.
Other names: c.200C>G, p.Pro67Arg (NM_001178133.2); short protein forms P67R.
Identifiers: ClinVar variation 566867 (VCV000566867.12), dbSNP rs1564656995, ClinGen allele CA377888281.